The following is an entry in ClinVar:

NM_014484.5(MOCS3):c.1306C>A (p.Pro436Thr)

Gene: MOCS3 (molybdenum cofactor synthesis 3; plus strand). Cytogenetic location: 20q13.13.
Variant type: single nucleotide variant.
Coding change: c.1306C>A on transcript NM_014484.5 (MANE Select); coding-DNA position 1306, C replaced by A.
Protein change: p.Pro436Thr; replaces proline 436 with threonine.
Molecular consequence: missense variant.
Genome position (GRCh38, 1-based): chr20:50,960,148, C>A. VCF-style: chr20-50960148-C-A. GRCh37 (hg19) VCF-style: chr20-49576685-C-A.
Other names: short protein forms P436T.
Identifiers: ClinVar variation 1502174 (VCV001502174.6), dbSNP rs148276425, ClinGen allele CA9909571.

ClinVar aggregate classification (germline): Uncertain significance (1 of 4 stars; one submission).

Allele frequency attached by ClinVar (database versions not stated): ESP Exome Variant Server 0.00023; TOPMed 0.00024; 1000 Genomes Project 30x 0.00031; gnomAD 0.00032 and 0.00034; gnomAD exomes 0.00046.
gnomAD v4.1: 887 of 1,614,190 alleles (0.055%); highest among the groups gnomAD compares: Non-Finnish European, 0.073%; 1 homozygote.

Submission:

Labcorp Genetics (formerly Invitae), Labcorp
Classification: Uncertain significance. Last evaluated: 2026-01-12. Review status: criteria provided, single submitter. Criteria: Invitae Variant Classification Sherloc (09022015). Collection method: clinical testing. Allele origin: germline.
Comment: This sequence change replaces proline, which is neutral and non-polar, with threonine, which is neutral and polar, at codon 436 of the MOCS3 protein (p.Pro436Thr). This variant is present in population databases (rs148276425, gnomAD 0.1%), and has an allele count higher than expected for a pathogenic variant. This variant has not been reported in the literature in individuals affected with MOCS3-related conditions. ClinVar contains an entry for this variant (Variation ID: 1502174). An algorithm developed to predict the effect of missense changes on protein structure and function (PolyPhen-2) suggests that this variant is likely to be tolerated. In summary, the available evidence is currently insufficient to determine the role of this variant in disease. Therefore, it has been classified as a Variant of Uncertain Significance.